The following is an entry in ClinVar:

ClinVar aggregate classification (germline): Uncertain significance (1 of 4 stars; one submission).

Submission:

GeneDx
Classification: Uncertain significance. Last evaluated: 2024-01-18. Review status: criteria provided, single submitter. Criteria: GeneDx Variant Classification Process June 2021. Collection method: clinical testing. Allele origin: germline. Affected: yes.
Comment: In silico analysis supports that this missense variant does not alter protein structure/function; Has not been previously published as pathogenic or benign to our knowledge

NM_001371928.1(AHDC1):c.1583G>A (p.Arg528Gln)

Gene: AHDC1 (AT-hook DNA binding motif containing 1; minus strand). Cytogenetic location: 1p36.11.
Variant type: single nucleotide variant.
Coding change: c.1583G>A on transcript NM_001371928.1 (MANE Select); coding-DNA position 1583, G replaced by A.
Protein change: p.Arg528Gln; replaces arginine 528 with glutamine.
Molecular consequence: missense variant.
Genome position (GRCh38, 1-based): chr1:27,550,533, C>T on the plus strand (G>A on the coding strand, the complement: AHDC1 is on the minus strand). VCF-style: chr1-27550533-C-T. GRCh37 (hg19) VCF-style: chr1-27877044-C-T.
Other names: c.1583G>A, p.Arg528Gln (NM_001029882.3); short protein forms R528Q.
Identifiers: ClinVar variation 3367984 (VCV003367984.1).